The following is an entry in ClinVar:

NM_003024.3(ITSN1):c.355G>A (p.Gly119Ser)

Gene: ITSN1 (intersectin 1; plus strand). Cytogenetic location: 21q22.11.
Variant type: single nucleotide variant.
Coding change: c.355G>A on transcript NM_003024.3 (MANE Select); coding-DNA position 355, G replaced by A.
Protein change: p.Gly119Ser; replaces glycine 119 with serine.
Molecular consequence: missense variant. On other transcripts: intron variant (1).
Genome position (GRCh38, 1-based): chr21:33,750,151, G>A. VCF-style: chr21-33750151-G-A. GRCh37 (hg19) VCF-style: chr21-35122456-G-A.
Other names: c.355G>A, p.Gly119Ser (NM_001001132.2, NM_001331008.2, NM_001331009.2 and 2 more transcripts); c.347-103G>A (NM_001331012.2); short protein forms G119S.
Identifiers: ClinVar variation 4528228 (VCV004528228.1).
Genomic context (GRCh38, chr21:33,750,151, plus strand): 5'-GTGTTGAAATGTGATTGGATGTGAATGGTGTTGAGCTGTTTTTTCTTCATAGGTATGGGA[G>A]GTATCGCCAGCATGCCACCGCTTACAGCTGTTGCTCCAGTGCCAATGGGATCCATTCCAG-3'
Protein context (NP_003015.2, residues 109-129): ISSAPAFGMG[Gly119Ser]IASMPPLTAV

ClinVar aggregate classification (germline): Uncertain significance (1 of 4 stars; one submission).

gnomAD v4.1: 1 of 1,613,900 alleles (0.000062%); highest among the groups gnomAD compares: Non-Finnish European, 0.000085%; no homozygotes.

Submission:

GeneDx
Classification: Uncertain significance. Last evaluated: 2025-05-08. Review status: criteria provided, single submitter. Criteria: GeneDx Variant Classification Process June 2021. Collection method: clinical testing. Allele origin: germline. Affected: yes.
Comment: Not observed at significant frequency in large population cohorts (gnomAD); In silico analysis suggests that this missense variant does not alter protein structure/function; Has not been previously published as pathogenic or benign to our knowledge